The following continues an entry in ClinVar:

NM_007294.4(BRCA1):c.5251C>T (p.Arg1751Ter)

Gene: BRCA1. ClinVar aggregate classification (germline): Pathogenic. Pathogenic (1).

Submission 52 of 52:

Joint Genome Diagnostic Labs from Nijmegen and Maastricht, Radboudumc and MUMC+
Classification: Pathogenic. Review status: no assertion criteria provided. Collection method: clinical testing. Allele origin: germline. Affected: yes. Study: VKGL Data-share Consensus. Not counted in ClinVar's aggregate classification.

Literature cited by the submitters: PubMed 30209399 (cited by 7 submitters); PubMed 32856862 (cited by 3 submitters); PubMed 33478551 (cited by Dasa); PubMed 12142080 (cited by 4 submitters); PubMed 29492181 (cited by Dasa); PubMed 25948282 (cited by Dasa); PubMed 20104584 (cited by Labcorp Genetics (formerly Invitae), Labcorp); PubMed 9361038 (cited by 7 submitters); PubMed 21232165 (cited by 5 submitters); PubMed 21324516 (cited by 7 submitters); PubMed 24010542 (cited by 5 submitters); PubMed 25428789 (cited by 4 submitters); PubMed 27433846 (cited by 5 submitters); PubMed 29752822 (cited by 3 submitters); PubMed 29446198 (cited by 3 submitters); PubMed 16528604 (cited by Ambry Genetics); PubMed 18821011 (cited by Ambry Genetics); PubMed 20614009 (cited by Ambry Genetics); PubMed 23199084 (cited by Ambry Genetics); PubMed 24528374 (cited by Ambry Genetics); PubMed 26287763 (cited by Ambry Genetics and Color Diagnostics, LLC DBA Color Health); PubMed 26779294 (cited by Ambry Genetics); PubMed 27393621 (cited by Ambry Genetics and Color Diagnostics, LLC DBA Color Health); PubMed 27425403 (cited by Ambry Genetics); PubMed 27836010 (cited by Ambry Genetics); PubMed 28324225 (cited by Ambry Genetics and Quest Diagnostics Nichols Institute San Juan Capistrano); PubMed 17453335 (cited by Color Diagnostics, LLC DBA Color Health and Laboratory for Molecular Medicine, Mass General Brigham Personalized Medicine); PubMed 18159056 (cited by Color Diagnostics, LLC DBA Color Health and Women's Health and Genetics/Laboratory Corporation of America, LabCorp); PubMed 23469205 (cited by Color Diagnostics, LLC DBA Color Health); PubMed 23536787 (cited by Color Diagnostics, LLC DBA Color Health and Laboratory for Molecular Medicine, Mass General Brigham Personalized Medicine); PubMed 30287823 (cited by Color Diagnostics, LLC DBA Color Health); PubMed 33471991 (cited by Color Diagnostics, LLC DBA Color Health and Sema4); PubMed 35205313 (cited by 3 submitters); PubMed 29339979 (cited by Quest Diagnostics Nichols Institute San Juan Capistrano); PubMed 29907814 (cited by Quest Diagnostics Nichols Institute San Juan Capistrano); PubMed 34529195 (cited by Quest Diagnostics Nichols Institute San Juan Capistrano and Mayo Clinic Laboratories, Mayo Clinic); PubMed 30702160 (cited by Quest Diagnostics Nichols Institute San Juan Capistrano and Mayo Clinic Laboratories, Mayo Clinic); PubMed 35534704 (cited by Quest Diagnostics Nichols Institute San Juan Capistrano); PubMed 32341426 (cited by Quest Diagnostics Nichols Institute San Juan Capistrano and Mayo Clinic Laboratories, Mayo Clinic); PubMed 31825140 (cited by Quest Diagnostics Nichols Institute San Juan Capistrano); PubMed 34981296 (cited by Quest Diagnostics Nichols Institute San Juan Capistrano); PubMed 26295337 (cited by Quest Diagnostics Nichols Institute San Juan Capistrano); PubMed 27741520 (cited by Mayo Clinic Laboratories, Mayo Clinic); PubMed 28724667 (cited by Mayo Clinic Laboratories, Mayo Clinic); PubMed 28888541 (cited by Mayo Clinic Laboratories, Mayo Clinic); PubMed 28993434 (cited by Mayo Clinic Laboratories, Mayo Clinic); PubMed 29161300 (cited by Mayo Clinic Laboratories, Mayo Clinic and Sema4); PubMed 29625052 (cited by Mayo Clinic Laboratories, Mayo Clinic); PubMed 30078507 (cited by Mayo Clinic Laboratories, Mayo Clinic); PubMed 30199306 (cited by Mayo Clinic Laboratories, Mayo Clinic and Sema4); PubMed 31174498 (cited by Mayo Clinic Laboratories, Mayo Clinic); PubMed 32072338 (cited by Mayo Clinic Laboratories, Mayo Clinic); PubMed 32211327 (cited by Mayo Clinic Laboratories, Mayo Clinic); PubMed 32772980 (cited by Mayo Clinic Laboratories, Mayo Clinic); PubMed 34011307 (cited by Mayo Clinic Laboratories, Mayo Clinic); PubMed 26843898 (cited by Laboratory for Molecular Medicine, Mass General Brigham Personalized Medicine); PubMed 29310832 (cited by Sema4); PubMed 24884479 (cited by Clinical and Functional Genomics Group, A.C.Camargo Cancer Center); PubMed 32295079 (cited by CZECANCA consortium); PubMed 25525159 (cited by Counsyl); Wagner et al. Int. J. Cancer, in press (cited by Breast Cancer Information Core (BIC) (BRCA1)); Ladopolou-et-al.,-Cancer-Lett,-185:61,-2002 (cited by Breast Cancer Information Core (BIC) (BRCA1)); PubMed 22652532 (cited by Breast Cancer Information Core (BIC) (BRCA1)).